The following is an entry in ClinVar:

ClinVar aggregate classification (germline): Uncertain significance (1 of 4 stars; one submission).

Conditions:
Inborn genetic diseases. Identifiers: MedGen C0950123, MeSH D030342.

gnomAD v4.1: 4 of 1,614,192 alleles (0.00025%); no homozygotes.

Submission:

Ambry Genetics
Classification: Uncertain significance for Inborn genetic diseases. Last evaluated: 2021-03-10. Review status: criteria provided, single submitter. Criteria: Ambry Variant Classification Scheme 2023. Collection method: clinical testing. Allele origin: germline.
Comment: The p.T488K variant (also known as c.1463C>A), located in coding exon 12 of the DNM2 gene, results from a C to A substitution at nucleotide position 1463. The threonine at codon 488 is replaced by lysine, an amino acid with similar properties. This amino acid position is highly conserved in available vertebrate species. In addition, this alteration is predicted to be deleterious by in silico analysis. Since supporting evidence is limited at this time, the clinical significance of this alteration remains unclear.

NM_001005361.3(DNM2):c.1463C>A (p.Thr488Lys)

Gene: DNM2 (dynamin 2; plus strand). Cytogenetic location: 19p13.2.
Variant type: single nucleotide variant.
Coding change: c.1463C>A on transcript NM_001005361.3 (MANE Select); coding-DNA position 1463, C replaced by A.
Protein change: p.Thr488Lys; replaces threonine 488 with lysine.
Molecular consequence: missense variant.
Genome position (GRCh38, 1-based): chr19:10,802,328, C>A. VCF-style: chr19-10802328-C-A. GRCh37 (hg19) VCF-style: chr19-10913004-C-A.
Other names: c.1463C>A, p.Thr488Lys (NM_001005360.3, NM_001005362.3, NM_001190716.2 and 1 more transcripts); short protein forms T488K.
Identifiers: ClinVar variation 1773197 (VCV001773197.2), dbSNP rs746903992, ClinGen allele CA9201171.